The following is an entry in ClinVar:

NM_000257.4(MYH7):c.2041C>T (p.Pro681Ser)

Gene: MYH7 (myosin heavy chain 7; minus strand). Cytogenetic location: 14q11.2.
Variant type: single nucleotide variant.
Coding change: c.2041C>T on transcript NM_000257.4 (MANE Select); coding-DNA position 2041, C replaced by T.
Protein change: p.Pro681Ser; replaces proline 681 with serine.
Molecular consequence: missense variant.
Genome position (GRCh38, 1-based): chr14:23,426,780, G>A on the plus strand (C>T on the coding strand, the complement: MYH7 is on the minus strand). VCF-style: chr14-23426780-G-A. GRCh37 (hg19) VCF-style: chr14-23895989-G-A.
Other names: short protein forms P681S.
Identifiers: ClinVar variation 629290 (VCV000629290.4), dbSNP rs1566533236, ClinGen allele CA389049258.
Genomic context (GRCh38, chr14:23,426,780, plus strand): 5'-CCTGTTCCCAGGGCGGTGTATGCCCAGCAGTGGGTTGGCCTGAGTTTGTGGCCTCACCTG[G>A]AGACTTTGTCTCATTAGGGATGATACAACGTACAAAGTGGGGATGGGTGGAGCGCAAGTT-3'
Protein context (NP_000248.2, residues 671-691): RCIIPNETKS[Pro681Ser]GVMDNPLVMH

ClinVar aggregate classification (germline): Uncertain significance (1 of 4 stars; one submission).

Conditions:
Cardiomyopathy (CMYO). Also called: Cardiomyopathies. Identifiers: Orphanet 167848, MedGen C0878544, MONDO:0004994, HP:0001638. Inheritance: Various modes of inheritance.

Allele frequency attached by ClinVar (database versions not stated): gnomAD exomes below 0.00001.
gnomAD v4.1: 1 of 1,614,136 alleles (0.000062%); highest among the groups gnomAD compares: Non-Finnish European, 0.000085%; no homozygotes.

Submission:

Color Diagnostics, LLC DBA Color Health
Classification: Uncertain significance for Cardiomyopathy. Last evaluated: 2023-12-05. Review status: criteria provided, single submitter. Criteria: ACMG Guidelines, 2015. Collection method: clinical testing. Allele origin: germline.
Comment: Variant of Uncertain Significance due to insufficient evidence: This missense variant is located in the myosin head/motor domain of the MYH7 protein. Computational prediction tools and conservation analyses suggest that this variant may have deleterious impact on the protein function. Computational splicing tools suggest that this variant may not impact the RNA splicing. To our knowledge, functional assays have not been performed for this variant nor has this variant been reported in individuals affected with cardiovascular disorders in the literature. This variant is rare in the general population and has been identified in 0/277264 chromosomes by the Genome Aggregation Database (gnomAD). Available evidence is insufficient to determine the pathogenicity of this variant conclusively.